The following is an entry in ClinVar:

ClinVar aggregate classification (germline): Uncertain significance (1 of 4 stars; one submission).

gnomAD v4.1: 6 of 1,612,932 alleles (0.00037%); highest among the groups gnomAD compares: South Asian, 0.0055%; no homozygotes.

Submission:

Labcorp Genetics (formerly Invitae), Labcorp
Classification: Uncertain significance. Last evaluated: 2022-11-03. Review status: criteria provided, single submitter. Criteria: Invitae Variant Classification Sherloc (09022015). Collection method: clinical testing. Allele origin: germline.
Comment: In summary, the available evidence is currently insufficient to determine the role of this variant in disease. Therefore, it has been classified as a Variant of Uncertain Significance. Advanced modeling of protein sequence and biophysical properties (such as structural, functional, and spatial information, amino acid conservation, physicochemical variation, residue mobility, and thermodynamic stability) performed at Invitae indicates that this missense variant is not expected to disrupt COL9A3 protein function. This variant has not been reported in the literature in individuals affected with COL9A3-related conditions. This variant is present in population databases (rs770727085, gnomAD 0.003%). This sequence change replaces lysine, which is basic and polar, with asparagine, which is neutral and polar, at codon 348 of the COL9A3 protein (p.Lys348Asn).

NM_001853.4(COL9A3):c.1044G>C (p.Lys348Asn)

Gene: COL9A3 (collagen type IX alpha 3 chain; plus strand). Cytogenetic location: 20q13.33.
Variant type: single nucleotide variant.
Coding change: c.1044G>C on transcript NM_001853.4 (MANE Select); coding-DNA position 1044, G replaced by C.
Protein change: p.Lys348Asn; replaces lysine 348 with asparagine.
Molecular consequence: missense variant.
Genome position (GRCh38, 1-based): chr20:62,829,490, G>C. VCF-style: chr20-62829490-G-C. GRCh37 (hg19) VCF-style: chr20-61460842-G-C.
Other names: short protein forms K348N.
Identifiers: ClinVar variation 2752423 (VCV002752423.3), dbSNP rs770727085, ClinGen allele CA9949703.
Genomic context (GRCh38, chr20:62,829,490, plus strand): 5'-CTGACCGCAAGCTCTCTCCTGGCAGGGCCTCCCTGGACGAGCGGGGTCCAAAGGCGAGAA[G>C]GGAGAACGGGTATGTGGCTGCAGCCGCTTTCTCTCTGGGAGGGGAGGCGAGGGGCCGGGA-3'
Protein context (NP_001844.3, residues 338-358): LPGRAGSKGE[Lys348Asn]GERGRAGELG